The following is an entry in ClinVar:

NM_001024845.3(SLC6A9):c.1721C>T (p.Ala574Val)

Gene: SLC6A9 (solute carrier family 6 member 9; minus strand). Cytogenetic location: 1p34.1.
Variant type: single nucleotide variant.
Coding change: c.1721C>T on transcript NM_001024845.3 (MANE Select); coding-DNA position 1721, C replaced by T.
Protein change: p.Ala574Val; replaces alanine 574 with valine.
Molecular consequence: missense variant. On other transcripts: non-coding transcript variant (1).
Genome position (GRCh38, 1-based): chr1:43,997,726, G>A on the plus strand (C>T on the coding strand, the complement: SLC6A9 is on the minus strand). VCF-style: chr1-43997726-G-A. GRCh37 (hg19) VCF-style: chr1-44463398-G-A.
Other names: c.1733C>T, p.Ala578Val (NM_001261380.2); c.1388C>T, p.Ala463Val (NM_001328626.2); c.1658C>T, p.Ala553Val (NM_001328627.1); c.1526C>T, p.Ala509Val (NM_001328628.1); c.1721C>T, p.Ala574Val (NM_001328629.1); c.1217C>T, p.Ala406Val (NM_001328630.2); c.1778C>T, p.Ala593Val (NM_006934.4); c.1940C>T, p.Ala647Val (NM_201649.4); short protein forms A463V, A509V, A574V, A578V, A647V, A593V, A406V, A553V.
Identifiers: ClinVar variation 733055 (VCV000733055.11), dbSNP rs146175246, ClinGen allele CA817363.
Genomic context (GRCh38, chr1:43,997,726, plus strand): 5'-GCGTAGCGCCCTGTCCGGTGCTCCAGGAGGGCAGGGCCCCAGTCTCTGCTTGGCTTTGTG[G>A]CATTTTTCAAACGCTGCATGAGGTAGGCATGGGGCACAGGGGCAGGGCACGTCAGGAGGG-3'
Protein context (NP_001020016.1, residues 564-584): GDTLLQRLKN[Ala574Val]TKPSRDWGPA

ClinVar aggregate classification (germline): Conflicting classifications of pathogenicity. Review status: criteria provided, conflicting classifications (1 of 4 stars). 2 submissions from 2 submitters: Uncertain significance (1); Likely benign (1). Last evaluated 2026-01-24.

Conditions:
Atypical glycine encephalopathy. Also called: Glycine encephalopathy with normal serum glycine. Identifiers: Orphanet 289863, MedGen C4310943, MONDO:0015010, OMIM 617301.

Allele frequency attached by ClinVar (database versions not stated): ESP Exome Variant Server 0.00008; gnomAD 0.00014 and 0.00021; 1000 Genomes Project 30x 0.00016; 1000 Genomes Project 0.00020; TOPMed 0.00021; ExAC 0.00041; gnomAD exomes 0.00044.
gnomAD v4.1: 252 of 1,607,062 alleles (0.016%); highest among the groups gnomAD compares: East Asian, 0.31%; no homozygotes.

Submissions (2):

Labcorp Genetics (formerly Invitae), Labcorp
Classification: Likely benign for Atypical glycine encephalopathy. Last evaluated: 2026-01-24. Review status: criteria provided, single submitter. Criteria: Invitae Variant Classification Sherloc (09022015). Collection method: clinical testing. Allele origin: germline.

Juno Genomics, Hangzhou Juno Genomics, Inc
Classification: Uncertain significance for Atypical glycine encephalopathy. Review status: criteria provided, single submitter. Criteria: ACMG Guidelines, 2015. Collection method: clinical testing. Allele origin: germline. Affected: yes.
Comment: Absent from controls (or at extremely low frequency if recessive) in Genome Aggregation Database, Exome Sequencing Project, 1000 Genomes Project, or Exome Aggregation Consortium.